The following is an entry in ClinVar:

ClinVar aggregate classification (germline): Uncertain significance. Review status: criteria provided, multiple submitters, no conflicts (2 of 4 stars). 2 submissions from 2 submitters: Uncertain significance (2). Last evaluated 2023-02-28.

Conditions:
Gastrointestinal stromal tumor. Also called: Gastrointestinal stroma tumor; Gastrointestinal stromal tumor, somatic. Identifiers: Orphanet 44890, MedGen C0238198, MeSH D046152, MONDO:0011719, OMIM 606764, HP:0100723.
Hereditary cancer-predisposing syndrome. Also called: Tumor predisposition; Hereditary neoplastic syndrome; Neoplastic Syndromes, Hereditary; Hereditary Cancer Syndrome. Identifiers: Orphanet 140162, MedGen C0027672, MeSH D009386, MONDO:0015356.

Allele frequency attached by ClinVar (database versions not stated): gnomAD exomes below 0.00001.
gnomAD v4.1: 2 of 1,614,036 alleles (0.00012%); highest among the groups gnomAD compares: South Asian, 0.0022%; no homozygotes.

Submissions (2):

Ambry Genetics
Classification: Uncertain significance for Hereditary cancer-predisposing syndrome. Last evaluated: 2023-02-28. Review status: criteria provided, single submitter. Criteria: Ambry Variant Classification Scheme 2023. Collection method: clinical testing. Allele origin: germline.
Comment: The p.S174N variant (also known as c.521G>A), located in coding exon 3 of the PDGFRA gene, results from a G to A substitution at nucleotide position 521. The serine at codon 174 is replaced by asparagine, an amino acid with highly similar properties. This amino acid position is conserved. In addition, this alteration is predicted to be tolerated by in silico analysis. Since supporting evidence is limited at this time, the clinical significance of this alteration remains unclear.

Labcorp Genetics (formerly Invitae), Labcorp
Classification: Uncertain significance for Gastrointestinal stromal tumor. Last evaluated: 2017-06-11. Review status: criteria provided, single submitter. Criteria: Invitae Variant Classification Sherloc (09022015). Collection method: clinical testing. Allele origin: germline.
Comment: This sequence change replaces serine with asparagine at codon 174 of the PDGFRA protein (p.Ser174Asn). The serine residue is moderately conserved and there is a small physicochemical difference between serine and asparagine. This variant is not present in population databases (ExAC no frequency). This variant has not been reported in the literature in individuals with a PDGFRA-related disease. Algorithms developed to predict the effect of missense changes on protein structure and function (SIFT, PolyPhen-2, Align-GVGD) all suggest that this variant is likely to be tolerated, but these predictions have not been confirmed by published functional studies and their clinical significance is uncertain. In summary, this variant has uncertain impact on PDGFRA function. The available evidence is currently insufficient to determine its role in disease. Therefore, it has been classified as a Variant of Uncertain Significance.

NM_006206.6(PDGFRA):c.521G>A (p.Ser174Asn)

Gene: PDGFRA (platelet derived growth factor receptor alpha; plus strand). Cytogenetic location: 4q12.
Variant type: single nucleotide variant.
Coding change: c.521G>A on transcript NM_006206.6 (MANE Select); coding-DNA position 521, G replaced by A.
Protein change: p.Ser174Asn; replaces serine 174 with asparagine.
Molecular consequence: missense variant.
Genome position (GRCh38, 1-based): chr4:54,263,820, G>A. VCF-style: chr4-54263820-G-A. GRCh37 (hg19) VCF-style: chr4-55129987-G-A.
Other names: c.521G>A, p.Ser174Asn (NM_001347827.2, NM_001347829.2); c.596G>A, p.Ser199Asn (NM_001347828.2); c.560G>A, p.Ser187Asn (NM_001347830.2); short protein forms S174N, S187N, S199N.
Identifiers: ClinVar variation 459108 (VCV000459108.11), dbSNP rs1207595829, ClinGen allele CA356890000.